The following is an entry in ClinVar:

ClinVar aggregate classification (germline): Uncertain significance (1 of 4 stars; one submission).

Submission:

Centre of Medical Genetics, University Hospital Muenster
Classification: Uncertain significance. Last evaluated: 2022-01-31. Review status: criteria provided, single submitter. Criteria: ACMG Guidelines, 2015. Collection method: clinical testing. Allele origin: unknown. Affected: yes. Observed: 1 variant allele, 1 heterozygote.
Comment: ACMG categories: PM2

NM_006031.6(PCNT):c.4072G>C (p.Glu1358Gln)

Gene: PCNT (pericentrin; plus strand). Cytogenetic location: 21q22.3.
Variant type: single nucleotide variant.
Coding change: c.4072G>C on transcript NM_006031.6 (MANE Select); coding-DNA position 4072, G replaced by C.
Protein change: p.Glu1358Gln; replaces glutamic acid 1358 with glutamine.
Molecular consequence: missense variant.
Genome position (GRCh38, 1-based): chr21:46,391,232, G>C. VCF-style: chr21-46391232-G-C. GRCh37 (hg19) VCF-style: chr21-47811147-G-C.
Other names: c.3718G>C, p.Glu1240Gln (NM_001315529.2); short protein forms E1240Q, E1358Q.
Identifiers: ClinVar variation 1708379 (VCV001708379.2), dbSNP rs772844734, ClinGen allele CA410576883.